The following is an entry in ClinVar:

NM_170699.3(GPBAR1):c.28C>A (p.Pro10Thr)

Gene: GPBAR1 (G protein-coupled bile acid receptor 1; plus strand). Cytogenetic location: 2q35.
Variant type: single nucleotide variant.
Coding change: c.28C>A on transcript NM_170699.3 (MANE Select); coding-DNA position 28, C replaced by A.
Protein change: p.Pro10Thr; replaces proline 10 with threonine.
Molecular consequence: missense variant.
Genome position (GRCh38, 1-based): chr2:218,262,752, C>A. VCF-style: chr2-218262752-C-A. GRCh37 (hg19) VCF-style: chr2-219127475-C-A.
Other names: c.28C>A, p.Pro10Thr (NM_001077191.2, NM_001077194.2, NM_001321950.2); short protein forms P10T.
Identifiers: ClinVar variation 5000432 (VCV005000432.1).

ClinVar aggregate classification (germline): Uncertain significance (1 of 4 stars; one submission).

Conditions:
GPBAR1-related disorder. Also called: GPBAR1-related condition.

gnomAD v4.1: 1 of 1,605,882 alleles (0.000062%); no homozygotes.

Submission:

PreventionGenetics, part of Exact Sciences
Classification: Uncertain significance for GPBAR1-related condition. Last evaluated: 2024-11-04. Review status: criteria provided, single submitter. Criteria: ACMG Guidelines, 2015. Collection method: clinical testing. Allele origin: germline.
Comment: The GPBAR1 c.28C>A variant is predicted to result in the amino acid substitution p.Pro10Thr. To our knowledge, this variant has not been reported in the literature or in a large population database (gnomAD), indicating this variant is rare. At this time, the clinical significance of this variant is uncertain due to the absence of conclusive functional and genetic evidence.